The following continues an entry in ClinVar:

NM_018062.4(FANCL):c.217-11T>C

Gene: FANCL. ClinVar aggregate classification (germline): Benign. Benign (8).

Submissions 32 to 66 of 117:

Dr. Peter K. Rogan Lab, Western University
No classification provided (evidence only). Condition: Thymoma. Review status: no classification provided. Collection method: in vitro. Allele origin: not applicable. Functional consequence: skipped exon. Not counted in ClinVar's aggregate classification.

Dr. Peter K. Rogan Lab, Western University
No classification provided (evidence only). Condition: Cholangiocarcinoma. Review status: no classification provided. Collection method: in vitro. Allele origin: not applicable. Functional consequence: skipped exon. Not counted in ClinVar's aggregate classification.

Dr. Peter K. Rogan Lab, Western University
No classification provided (evidence only). Condition: Cholangiocarcinoma. Review status: no classification provided. Collection method: in vitro. Allele origin: not applicable. Functional consequence: retained intron. Not counted in ClinVar's aggregate classification.

Dr. Peter K. Rogan Lab, Western University
No classification provided (evidence only). Condition: Mesothelioma. Review status: no classification provided. Collection method: in vitro. Allele origin: not applicable. Functional consequence: skipped exon. Not counted in ClinVar's aggregate classification.

Dr. Peter K. Rogan Lab, Western University
No classification provided (evidence only). Condition: Uterine carcinosarcoma. Review status: no classification provided. Collection method: in vitro. Allele origin: not applicable. Functional consequence: skipped exon. Not counted in ClinVar's aggregate classification.

Dr. Peter K. Rogan Lab, Western University
No classification provided (evidence only). Condition: Uterine carcinosarcoma. Review status: no classification provided. Collection method: in vitro. Allele origin: not applicable. Functional consequence: skipped exon, retained intron. Not counted in ClinVar's aggregate classification.

Dr. Peter K. Rogan Lab, Western University
No classification provided (evidence only). Condition: Uterine carcinosarcoma. Review status: no classification provided. Collection method: in vitro. Allele origin: not applicable. Functional consequence: skipped exon, retained intron. Not counted in ClinVar's aggregate classification.

Dr. Peter K. Rogan Lab, Western University
No classification provided (evidence only). Condition: Uterine carcinosarcoma. Review status: no classification provided. Collection method: in vitro. Allele origin: not applicable. Functional consequence: skipped exon. Not counted in ClinVar's aggregate classification.

Dr. Peter K. Rogan Lab, Western University
No classification provided (evidence only). Condition: Uterine carcinosarcoma. Review status: no classification provided. Collection method: in vitro. Allele origin: not applicable. Functional consequence: skipped exon. Not counted in ClinVar's aggregate classification.

Dr. Peter K. Rogan Lab, Western University
No classification provided (evidence only). Condition: Uterine carcinosarcoma. Review status: no classification provided. Collection method: in vitro. Allele origin: not applicable. Functional consequence: skipped exon, retained intron. Not counted in ClinVar's aggregate classification.

Dr. Peter K. Rogan Lab, Western University
No classification provided (evidence only). Condition: Uterine carcinosarcoma. Review status: no classification provided. Collection method: in vitro. Allele origin: not applicable. Functional consequence: skipped exon, retained intron. Not counted in ClinVar's aggregate classification.

Dr. Peter K. Rogan Lab, Western University
No classification provided (evidence only). Condition: Uterine carcinosarcoma. Review status: no classification provided. Collection method: in vitro. Allele origin: not applicable. Functional consequence: skipped exon. Not counted in ClinVar's aggregate classification.

Dr. Peter K. Rogan Lab, Western University
No classification provided (evidence only). Condition: Uterine carcinosarcoma. Review status: no classification provided. Collection method: in vitro. Allele origin: not applicable. Functional consequence: skipped exon. Not counted in ClinVar's aggregate classification.

Dr. Peter K. Rogan Lab, Western University
No classification provided (evidence only). Condition: Uterine carcinosarcoma. Review status: no classification provided. Collection method: in vitro. Allele origin: not applicable. Functional consequence: skipped exon. Not counted in ClinVar's aggregate classification.

Dr. Peter K. Rogan Lab, Western University
No classification provided (evidence only). Condition: Uterine carcinosarcoma. Review status: no classification provided. Collection method: in vitro. Allele origin: not applicable. Functional consequence: skipped exon. Not counted in ClinVar's aggregate classification.

Dr. Peter K. Rogan Lab, Western University
No classification provided (evidence only). Condition: Uterine carcinosarcoma. Review status: no classification provided. Collection method: in vitro. Allele origin: not applicable. Functional consequence: skipped exon. Not counted in ClinVar's aggregate classification.

Dr. Peter K. Rogan Lab, Western University
No classification provided (evidence only). Condition: Uveal melanoma. Review status: no classification provided. Collection method: in vitro. Allele origin: not applicable. Functional consequence: skipped exon, retained intron. Not counted in ClinVar's aggregate classification.

Dr. Peter K. Rogan Lab, Western University
No classification provided (evidence only). Condition: Uveal melanoma. Review status: no classification provided. Collection method: in vitro. Allele origin: not applicable. Functional consequence: skipped exon. Not counted in ClinVar's aggregate classification.

Dr. Peter K. Rogan Lab, Western University
No classification provided (evidence only). Condition: Uveal melanoma. Review status: no classification provided. Collection method: in vitro. Allele origin: not applicable. Functional consequence: skipped exon, retained intron. Not counted in ClinVar's aggregate classification.

Dr. Peter K. Rogan Lab, Western University
No classification provided (evidence only). Condition: Uveal melanoma. Review status: no classification provided. Collection method: in vitro. Allele origin: not applicable. Functional consequence: skipped exon, retained intron. Not counted in ClinVar's aggregate classification.

Dr. Peter K. Rogan Lab, Western University
No classification provided (evidence only). Condition: Uveal melanoma. Review status: no classification provided. Collection method: in vitro. Allele origin: not applicable. Functional consequence: skipped exon, retained intron. Not counted in ClinVar's aggregate classification.

Dr. Peter K. Rogan Lab, Western University
No classification provided (evidence only). Condition: Uveal melanoma. Review status: no classification provided. Collection method: in vitro. Allele origin: not applicable. Functional consequence: skipped exon. Not counted in ClinVar's aggregate classification.

Dr. Peter K. Rogan Lab, Western University
No classification provided (evidence only). Condition: Uveal melanoma. Review status: no classification provided. Collection method: in vitro. Allele origin: not applicable. Functional consequence: skipped exon. Not counted in ClinVar's aggregate classification.

Dr. Peter K. Rogan Lab, Western University
No classification provided (evidence only). Condition: Uveal melanoma. Review status: no classification provided. Collection method: in vitro. Allele origin: not applicable. Functional consequence: skipped exon, retained intron. Not counted in ClinVar's aggregate classification.

Dr. Peter K. Rogan Lab, Western University
No classification provided (evidence only). Condition: Chronic lymphocytic leukemia/small lymphocytic lymphoma. Review status: no classification provided. Collection method: in vitro. Allele origin: not applicable. Functional consequence: retained intron. Not counted in ClinVar's aggregate classification.

Dr. Peter K. Rogan Lab, Western University
No classification provided (evidence only). Condition: Chronic lymphocytic leukemia/small lymphocytic lymphoma. Review status: no classification provided. Collection method: in vitro. Allele origin: not applicable. Functional consequence: retained intron. Not counted in ClinVar's aggregate classification.

Dr. Peter K. Rogan Lab, Western University
No classification provided (evidence only). Condition: Chronic lymphocytic leukemia/small lymphocytic lymphoma. Review status: no classification provided. Collection method: in vitro. Allele origin: not applicable. Functional consequence: retained intron. Not counted in ClinVar's aggregate classification.

Dr. Peter K. Rogan Lab, Western University
No classification provided (evidence only). Condition: Chronic lymphocytic leukemia/small lymphocytic lymphoma. Review status: no classification provided. Collection method: in vitro. Allele origin: not applicable. Functional consequence: retained intron. Not counted in ClinVar's aggregate classification.

Dr. Peter K. Rogan Lab, Western University
No classification provided (evidence only). Condition: Chronic lymphocytic leukemia/small lymphocytic lymphoma. Review status: no classification provided. Collection method: in vitro. Allele origin: not applicable. Functional consequence: skipped exon, retained intron. Not counted in ClinVar's aggregate classification.

Dr. Peter K. Rogan Lab, Western University
No classification provided (evidence only). Condition: Chronic lymphocytic leukemia/small lymphocytic lymphoma. Review status: no classification provided. Collection method: in vitro. Allele origin: not applicable. Functional consequence: skipped exon, retained intron. Not counted in ClinVar's aggregate classification.

Dr. Peter K. Rogan Lab, Western University
No classification provided (evidence only). Condition: Chronic lymphocytic leukemia/small lymphocytic lymphoma. Review status: no classification provided. Collection method: in vitro. Allele origin: not applicable. Functional consequence: retained intron. Not counted in ClinVar's aggregate classification.

Dr. Peter K. Rogan Lab, Western University
No classification provided (evidence only). Condition: Chronic lymphocytic leukemia/small lymphocytic lymphoma. Review status: no classification provided. Collection method: in vitro. Allele origin: not applicable. Functional consequence: skipped exon, retained intron. Not counted in ClinVar's aggregate classification.

Dr. Peter K. Rogan Lab, Western University
No classification provided (evidence only). Condition: Chronic lymphocytic leukemia/small lymphocytic lymphoma. Review status: no classification provided. Collection method: in vitro. Allele origin: not applicable. Functional consequence: skipped exon, retained intron. Not counted in ClinVar's aggregate classification.

Dr. Peter K. Rogan Lab, Western University
No classification provided (evidence only). Condition: Chronic lymphocytic leukemia/small lymphocytic lymphoma. Review status: no classification provided. Collection method: in vitro. Allele origin: not applicable. Functional consequence: retained intron. Not counted in ClinVar's aggregate classification.

Dr. Peter K. Rogan Lab, Western University
No classification provided (evidence only). Condition: Chronic lymphocytic leukemia/small lymphocytic lymphoma. Review status: no classification provided. Collection method: in vitro. Allele origin: not applicable. Functional consequence: retained intron. Not counted in ClinVar's aggregate classification.